The following is an entry in ClinVar:

ClinVar aggregate classification (germline): Uncertain significance. Review status: criteria provided, multiple submitters, no conflicts (2 of 4 stars). 2 submissions from 2 submitters: Uncertain significance (2). Last evaluated 2025-11-28.

Conditions:
Cardiovascular phenotype. Identifiers: MedGen CN230736.

gnomAD v4.1: 2 of 1,608,402 alleles (0.00012%); highest among the groups gnomAD compares: Admixed American, 0.0034%; no homozygotes.

Submissions (2):

Labcorp Genetics (formerly Invitae), Labcorp
Classification: Uncertain significance. Last evaluated: 2025-11-28. Review status: criteria provided, single submitter. Criteria: Invitae Variant Classification Sherloc (09022015). Collection method: clinical testing. Allele origin: germline.
Comment: This sequence change replaces valine, which is neutral and non-polar, with leucine, which is neutral and non-polar, at codon 739 of the CDH2 protein (p.Val739Leu). This variant is present in population databases (rs753513462, gnomAD 0.006%). This variant has not been reported in the literature in individuals affected with CDH2-related conditions. ClinVar contains an entry for this variant (Variation ID: 3625646). An algorithm developed to predict the effect of missense changes on protein structure and function (PolyPhen-2) suggests that this variant is likely to be disruptive. In summary, the available evidence is currently insufficient to determine the role of this variant in disease. Therefore, it has been classified as a Variant of Uncertain Significance.

Molecular Diagnostic Laboratory for Inherited Cardiovascular Disease, Montreal Heart Institute
Classification: Uncertain significance for Cardiovascular phenotype. Last evaluated: 2025-04-09. Review status: criteria provided, single submitter. Criteria: ACMG Guidelines, 2015. Collection method: clinical testing. Allele origin: germline. Affected: yes.
Comment: PM2, PP3

NM_001792.5(CDH2):c.2215G>C (p.Val739Leu)

Gene: CDH2 (cadherin 2; minus strand). Cytogenetic location: 18q12.1.
Variant type: single nucleotide variant.
Coding change: c.2215G>C on transcript NM_001792.5 (MANE Select); coding-DNA position 2215, G replaced by C.
Protein change: p.Val739Leu; replaces valine 739 with leucine.
Molecular consequence: missense variant.
Genome position (GRCh38, 1-based): chr18:27,983,078, C>G on the plus strand (G>C on the coding strand, the complement: CDH2 is on the minus strand). VCF-style: chr18-27983078-C-G. GRCh37 (hg19) VCF-style: chr18-25563042-C-G.
Other names: c.2122G>C, p.Val708Leu (NM_001308176.2); short protein forms V708L, V739L.
Identifiers: ClinVar variation 3625646 (VCV003625646.3), dbSNP rs753513462.